The following is an entry in ClinVar:

ClinVar aggregate classification (germline): Likely benign. Review status: criteria provided, multiple submitters, no conflicts (2 of 4 stars). 3 submissions from 3 submitters: Likely benign (3). Last evaluated 2025-10-15.

Conditions:
ANKRD11-related disorder. Also called: ANKRD11-related condition.
Inborn genetic diseases. Identifiers: MedGen C0950123, MeSH D030342.

Allele frequency attached by ClinVar (database versions not stated): ExAC 0.00002; gnomAD 0.00002; gnomAD exomes 0.00002; TOPMed 0.00002.
gnomAD v4.1: 32 of 1,613,656 alleles (0.002%); highest among the groups gnomAD compares: Admixed American, 0.0083%; no homozygotes.

Submissions (3):

PreventionGenetics, part of Exact Sciences
Classification: Likely benign for ANKRD11-related condition. Last evaluated: 2025-10-15. Review status: criteria provided, single submitter. Criteria: ACMG Guidelines, 2015. Collection method: clinical testing. Allele origin: germline.
Comment: This variant is classified as likely benign based on ACMG/AMP sequence variant interpretation guidelines (Richards et al. 2015 PMID: 25741868, with internal and published modifications).

Ambry Genetics
Classification: Likely benign for Inborn genetic diseases. Last evaluated: 2023-04-13. Review status: criteria provided, single submitter. Criteria: Ambry Variant Classification Scheme 2023. Collection method: clinical testing. Allele origin: germline.

Blueprint Genetics
Classification: Likely benign. Last evaluated: 2022-10-20. Review status: criteria provided, single submitter. Criteria: ACMG Guidelines, 2015. Collection method: clinical testing. Allele origin: germline.

NM_013275.6(ANKRD11):c.1442C>T (p.Ser481Leu)

Gene: ANKRD11 (ankyrin repeat domain 11; minus strand). Cytogenetic location: 16q24.3.
Variant type: single nucleotide variant.
Coding change: c.1442C>T on transcript NM_013275.6 (MANE Select); coding-DNA position 1442, C replaced by T.
Protein change: p.Ser481Leu; replaces serine 481 with leucine.
Molecular consequence: missense variant.
Genome position (GRCh38, 1-based): chr16:89,285,100, G>A on the plus strand (C>T on the coding strand, the complement: ANKRD11 is on the minus strand). VCF-style: chr16-89285100-G-A. GRCh37 (hg19) VCF-style: chr16-89351508-G-A.
Other names: c.1442C>T, p.Ser481Leu (NM_001256182.2, NM_001256183.2); c.1442C>T (NM_013275.5); short protein forms S481L.
Identifiers: ClinVar variation 2512218 (VCV002512218.4), dbSNP rs755705692, ClinGen allele CA8242769.